The following is an entry in ClinVar:

NM_000179.3(MSH6):c.2678T>G (p.Leu893Arg)

Gene: MSH6 (mutS homolog 6; plus strand). Cytogenetic location: 2p16.3.
Variant type: single nucleotide variant.
Coding change: c.2678T>G on transcript NM_000179.3 (MANE Select); coding-DNA position 2678, T replaced by G.
Protein change: p.Leu893Arg; replaces leucine 893 with arginine.
Molecular consequence: missense variant.
Genome position (GRCh38, 1-based): chr2:47,800,661, T>G. VCF-style: chr2-47800661-T-G. GRCh37 (hg19) VCF-style: chr2-48027800-T-G.
Other names: c.2288T>G, p.Leu763Arg (NM_001281492.2); c.1772T>G, p.Leu591Arg (NM_001281493.2, NM_001281494.2, NM_001406811.1 and 6 more transcripts); c.2774T>G, p.Leu925Arg (NM_001406795.1, NM_001406802.1); c.2678T>G, p.Leu893Arg (NM_001406796.1, NM_001406798.1, NM_001406800.1 and 2 more transcripts); c.2381T>G, p.Leu794Arg (NM_001406797.1, NM_001406801.1, NM_001406805.1 and 10 more transcripts); c.2153T>G, p.Leu718Arg (NM_001406799.1, NM_001406806.1, NM_001406807.1); c.2600T>G, p.Leu867Arg (NM_001406804.1); c.2684T>G, p.Leu895Arg (NM_001406813.1); and 1 more; short protein forms L591R, L837R, L893R, L867R, L895R, L925R, L718R, L763R.
Identifiers: ClinVar variation 1794632 (VCV001794632.2), dbSNP rs2530686603, ClinGen allele CA346755275.
Genomic context (GRCh38, chr2:47,800,661, plus strand): 5'-GGATCATGGAAGAAGTTGCTGATGGTTTTAAGTCTAAAATCCTTAAGCAGGTCATCTCTC[T>G]GCAGACAAAAAATCCTGAAGGTCGTTTTCCTGATTTGACTGTAGAATTGAACCGATGGGA-3'
Protein context (NP_000170.1, residues 883-903): KSKILKQVIS[Leu893Arg]QTKNPEGRFP

ClinVar aggregate classification (germline): Uncertain significance (1 of 4 stars; one submission).

Conditions:
Hereditary cancer-predisposing syndrome. Also called: Tumor predisposition; Hereditary Cancer Syndrome; Neoplastic Syndromes, Hereditary; Hereditary neoplastic syndrome. Identifiers: Orphanet 140162, MedGen C0027672, MeSH D009386, MONDO:0015356.

Submission:

Ambry Genetics
Classification: Uncertain significance for Hereditary cancer-predisposing syndrome. Last evaluated: 2022-05-31. Review status: criteria provided, single submitter. Criteria: Ambry Variant Classification Scheme 2023. Collection method: clinical testing. Allele origin: germline.
Comment: The p.L893R variant (also known as c.2678T>G), located in coding exon 4 of the MSH6 gene, results from a T to G substitution at nucleotide position 2678. The leucine at codon 893 is replaced by arginine, an amino acid with dissimilar properties. This amino acid position is conserved. In addition, the in silico prediction for this alteration is inconclusive. Since supporting evidence is limited at this time, the clinical significance of this alteration remains unclear.